The following is an entry in ClinVar:

NM_015047.3(EMC1):c.1826G>C (p.Gly609Ala)

Genes: EMC1 (ER membrane protein complex subunit 1; minus strand), EMC1-AS1 (EMC1 antisense RNA 1; plus strand). Cytogenetic location: 1p36.13.
Variant type: single nucleotide variant.
Coding change: c.1826G>C on transcript NM_015047.3 (MANE Select); coding-DNA position 1826, G replaced by C.
Protein change: p.Gly609Ala; replaces glycine 609 with alanine.
Molecular consequence: missense variant.
Genome position (GRCh38, 1-based): chr1:19,231,379, C>G on the plus strand (G>C on the coding strand, the complement: EMC1 is on the minus strand). VCF-style: chr1-19231379-C-G. GRCh37 (hg19) VCF-style: chr1-19557873-C-G.
Other names: c.1823G>C, p.Gly608Ala (NM_001271427.2, NM_001271428.2); c.1760G>C, p.Gly587Ala (NM_001271429.2); c.1835G>C, p.Gly612Ala (NM_001375820.1); c.1832G>C, p.Gly611Ala (NM_001375821.1); short protein forms G587A, G611A, G608A, G609A, G612A.
Identifiers: ClinVar variation 2862719 (VCV002862719.3), dbSNP rs1214845365, ClinGen allele CA338759763.

ClinVar aggregate classification (germline): Uncertain significance (1 of 4 stars; one submission).

Allele frequency attached by ClinVar (database versions not stated): gnomAD exomes below 0.00001; TOPMed below 0.00001.
gnomAD v4.1: 2 of 1,611,674 alleles (0.00012%); highest among the groups gnomAD compares: Admixed American, 0.0034%; no homozygotes.

Submission:

Labcorp Genetics (formerly Invitae), Labcorp
Classification: Uncertain significance. Last evaluated: 2023-05-08. Review status: criteria provided, single submitter. Criteria: Invitae Variant Classification Sherloc (09022015). Collection method: clinical testing. Allele origin: germline.
Comment: Advanced modeling of protein sequence and biophysical properties (such as structural, functional, and spatial information, amino acid conservation, physicochemical variation, residue mobility, and thermodynamic stability) performed at Invitae indicates that this missense variant is expected to disrupt EMC1 protein function. In summary, the available evidence is currently insufficient to determine the role of this variant in disease. Therefore, it has been classified as a Variant of Uncertain Significance. This variant has not been reported in the literature in individuals affected with EMC1-related conditions. This variant is present in population databases (no rsID available, gnomAD 0.003%). This sequence change replaces glycine, which is neutral and non-polar, with alanine, which is neutral and non-polar, at codon 609 of the EMC1 protein (p.Gly609Ala).